The following is an entry in ClinVar:

NM_004519.4(KCNQ3):c.*4817G>A

Gene: KCNQ3 (potassium voltage-gated channel subfamily Q member 3; minus strand). Cytogenetic location: 8q24.22.
Variant type: single nucleotide variant.
Coding change: c.*4817G>A on transcript NM_004519.4 (MANE Select); 4817 bases downstream of the stop codon, G replaced by A.
Molecular consequence: 3 prime UTR variant.
Genome position (GRCh38, 1-based): chr8:132,124,445, C>T on the plus strand (G>A on the coding strand, the complement: KCNQ3 is on the minus strand). VCF-style: chr8-132124445-C-T. GRCh37 (hg19) VCF-style: chr8-133136692-C-T.
Other names: c.*4817G>A (NM_001204824.2).
Identifiers: ClinVar variation 361801 (VCV000361801.30), dbSNP rs76758430, ClinGen allele CA10627044.
Genomic context (GRCh38, chr8:132,124,445, plus strand): 5'-TCAGTCATTGTACTAGAGGCTTTGTGTGTACATTGATTGTCTCACTTGAAAATCAAAACA[C>T]GGCAGAAGAGTCAAATGCTTTTGAATGTGCTGAAACTCAAATTTTCTTCCAGGTCATCTC-3'

ClinVar aggregate classification (germline): Benign/Likely benign. Review status: criteria provided, multiple submitters, no conflicts (2 of 4 stars). 3 submissions from 3 submitters: Benign (2); Likely benign (1). Last evaluated 2023-06-01.

Conditions:
Seizures, benign familial neonatal, 2. Also called: CONVULSIONS, BENIGN FAMILIAL NEONATAL, 2; Benign Neonatal Epilepsy 2; Seizures, benign neonatal, 2; KCNQ3-Related Benign Familial Neonatal Epilepsy; KCNQ3-Related Self-Limited Familial Neonatal Epilepsy (SLFNE). Identifiers: Orphanet 1949, MedGen C1852581, MONDO:0007366, OMIM 121201.

Allele frequency attached by ClinVar (database versions not stated): 1000 Genomes Project 0.00339; 1000 Genomes Project 30x 0.00422; TOPMed 0.00518; gnomAD 0.00559 and 0.00586.

Submissions (3):

CeGaT Center for Human Genetics Tuebingen
Classification: Benign. Last evaluated: 2023-06-01. Review status: criteria provided, single submitter. Criteria: CeGaT Center For Human Genetics Tuebingen Variant Classification Criteria Version 2. Collection method: clinical testing. Allele origin: germline. Affected: yes. Observed: 14 variant alleles.
Comment: KCNQ3: BS1, BS2

Illumina Laboratory Services, Illumina
Classification: Benign for Seizures, benign familial neonatal, 2. Last evaluated: 2018-01-12. Review status: criteria provided, single submitter. Criteria: ICSL Variant Classification Criteria 13 December 2019. Collection method: clinical testing. Allele origin: germline.
Comment: This variant was observed in the ICSL laboratory as part of a predisposition screen in an ostensibly healthy population. It had not been previously curated by ICSL or reported in the Human Gene Mutation Database (HGMD: prior to June 1st, 2018), and was therefore a candidate for classification through an automated scoring system. Utilizing variant allele frequency, disease prevalence and penetrance estimates, and inheritance mode, an automated score was calculated to assess if this variant is too frequent to cause the disease. Based on the score and internal cut-off values, a variant classified as benign is not then subjected to further curation. The score for this variant resulted in a classification of benign for this disease.

Breakthrough Genomics
Classification: Likely benign. Review status: criteria provided, single submitter. Criteria: ACMG Guidelines, 2015. Collection method: not provided. Allele origin: germline. Inheritance: Autosomal dominant inheritance. Affected: yes.